The following is an entry in ClinVar:

NM_002087.4(GRN):c.1343C>T (p.Thr448Ile)

Gene: GRN (granulin precursor; plus strand). Cytogenetic location: 17q21.31.
Variant type: single nucleotide variant.
Coding change: c.1343C>T on transcript NM_002087.4 (MANE Select); coding-DNA position 1343, C replaced by T.
Protein change: p.Thr448Ile; replaces threonine 448 with isoleucine.
Molecular consequence: missense variant.
Genome position (GRCh38, 1-based): chr17:44,352,178, C>T. VCF-style: chr17-44352178-C-T. GRCh37 (hg19) VCF-style: chr17-42429546-C-T.
Other names: short protein forms T448I.
Identifiers: ClinVar variation 1981077 (VCV001981077.4), dbSNP rs1350620142, ClinGen allele CA399769091.
Genomic context (GRCh38, chr17:44,352,178, plus strand): 5'-AGATGCCTGCCCGCCGGGCTTCCTTATCCCACCCCAGAGACATCGGCTGTGACCAGCACA[C>T]CAGCTGCCCGGTGGGGCAGACCTGCTGCCCGAGCCTGGGTGGGAGCTGGGCCTGCTGCCA-3'
Protein context (NP_002078.1, residues 438-458): HPRDIGCDQH[Thr448Ile]SCPVGQTCCP

ClinVar aggregate classification (germline): Uncertain significance (1 of 4 stars; one submission).

Conditions:
Neuronal ceroid lipofuscinosis 11. Also called: GRN-Related Neuronal Ceroid-Lipofuscinosis. Identifiers: Orphanet 314629, Orphanet 79262, MedGen C3539123, MONDO:0013866, OMIM 614706.
GRN-related frontotemporal lobar degeneration with Tdp43 inclusions (FTD2). Also called: GRN Frontotemporal Dementia; FRONTOTEMPORAL DEMENTIA WITH TDP43 INCLUSIONS, GRN-RELATED; DEMENTIA, HEREDITARY DYSPHASIC DISINHIBITION; FRONTOTEMPORAL LOBAR DEGENERATION WITH UBIQUITIN-POSITIVE INCLUSIONS; FTLD-TDP, GRN-RELATED. Identifiers: Orphanet 100070, Orphanet 282, MedGen C1843792, MONDO:0011842, OMIM 607485. Disease mechanism: loss of function.

Allele frequency attached by ClinVar (database versions not stated): gnomAD exomes below 0.00001; gnomAD 0.00001; TOPMed 0.00002.

Submission:

Labcorp Genetics (formerly Invitae), Labcorp
Classification: Uncertain significance for Neuronal ceroid lipofuscinosis 11; GRN-related frontotemporal lobar degeneration with Tdp43 inclusions. Last evaluated: 2024-12-12. Review status: criteria provided, single submitter. Criteria: Invitae Variant Classification Sherloc (09022015). Collection method: clinical testing. Allele origin: germline.
Comment: This sequence change replaces threonine, which is neutral and polar, with isoleucine, which is neutral and non-polar, at codon 448 of the GRN protein (p.Thr448Ile). This variant is not present in population databases (gnomAD no frequency). This variant has not been reported in the literature in individuals affected with GRN-related conditions. ClinVar contains an entry for this variant (Variation ID: 1981077). Invitae Evidence Modeling of protein sequence and biophysical properties (such as structural, functional, and spatial information, amino acid conservation, physicochemical variation, residue mobility, and thermodynamic stability) indicates that this missense variant is not expected to disrupt GRN protein function with a negative predictive value of 80%. In summary, the available evidence is currently insufficient to determine the role of this variant in disease. Therefore, it has been classified as a Variant of Uncertain Significance.